The following is an entry in ClinVar:

NM_001384474.1(LOXHD1):c.3072T>A (p.Tyr1024Ter)

Gene: LOXHD1 (lipoxygenase homology PLAT domains 1; minus strand). Cytogenetic location: 18q21.1.
Variant type: single nucleotide variant.
Coding change: c.3072T>A on transcript NM_001384474.1 (MANE Select); coding-DNA position 3072, T replaced by A.
Protein change: p.Tyr1024Ter; replaces tyrosine 1024 with a stop codon.
Molecular consequence: nonsense.
Genome position (GRCh38, 1-based): chr18:46,559,592, A>T on the plus strand (T>A on the coding strand, the complement: LOXHD1 is on the minus strand). VCF-style: chr18-46559592-A-T. GRCh37 (hg19) VCF-style: chr18-44139555-A-T.
Other names: c.3072T>A, p.Tyr1024Ter (NM_144612.7); short protein forms Y1024*.
Identifiers: ClinVar variation 2820135 (VCV002820135.3), dbSNP rs2037466762, ClinGen allele CA402369541.

ClinVar aggregate classification (germline): Pathogenic (1 of 4 stars; one submission).

Allele frequency attached by ClinVar (database versions not stated): TOPMed below 0.00001.

Submission:

Labcorp Genetics (formerly Invitae), Labcorp
Classification: Pathogenic. Last evaluated: 2022-12-11. Review status: criteria provided, single submitter. Criteria: Invitae Variant Classification Sherloc (09022015). Collection method: clinical testing. Allele origin: germline.
Comment: For these reasons, this variant has been classified as Pathogenic. This variant has not been reported in the literature in individuals affected with LOXHD1-related conditions. This variant is not present in population databases (gnomAD no frequency). This sequence change creates a premature translational stop signal (p.Tyr1024*) in the LOXHD1 gene. It is expected to result in an absent or disrupted protein product. Loss-of-function variants in LOXHD1 are known to be pathogenic (PMID: 19732867, 21465660, 25792669).

Literature cited by the submitters: PubMed 19732867; PubMed 21465660; PubMed 25792669.